The following is an entry in ClinVar:

NM_006019.4(TCIRG1):c.373C>G (p.Leu125Val)

Gene: TCIRG1 (T cell immune regulator 1, ATPase H+ transporting V0 subunit a3; plus strand). Cytogenetic location: 11q13.2.
Variant type: single nucleotide variant.
Coding change: c.373C>G on transcript NM_006019.4 (MANE Select); coding-DNA position 373, C replaced by G.
Protein change: p.Leu125Val; replaces leucine 125 with valine.
Molecular consequence: missense variant. On other transcripts: 5 prime UTR variant (1).
Genome position (GRCh38, 1-based): chr11:68,042,819, C>G. VCF-style: chr11-68042819-C-G. GRCh37 (hg19) VCF-style: chr11-67810286-C-G.
Other names: c.-877C>G (NM_001351059.2); short protein forms L125V.
Identifiers: ClinVar variation 3611507 (VCV003611507.2).

ClinVar aggregate classification (germline): Uncertain significance (1 of 4 stars; one submission).

Submission:

Labcorp Genetics (formerly Invitae), Labcorp
Classification: Uncertain significance. Last evaluated: 2024-08-22. Review status: criteria provided, single submitter. Criteria: Invitae Variant Classification Sherloc (09022015). Collection method: clinical testing. Allele origin: germline.
Comment: This sequence change replaces leucine, which is neutral and non-polar, with valine, which is neutral and non-polar, at codon 125 of the TCIRG1 protein (p.Leu125Val). This variant is not present in population databases (gnomAD no frequency). This variant has not been reported in the literature in individuals affected with TCIRG1-related conditions. Invitae Evidence Modeling of protein sequence and biophysical properties (such as structural, functional, and spatial information, amino acid conservation, physicochemical variation, residue mobility, and thermodynamic stability) indicates that this missense variant is not expected to disrupt TCIRG1 protein function with a negative predictive value of 80%. In summary, the available evidence is currently insufficient to determine the role of this variant in disease. Therefore, it has been classified as a Variant of Uncertain Significance.